The following is an entry in ClinVar:

ClinVar aggregate classification (germline): Likely pathogenic (1 of 4 stars; one submission).

Conditions:
Primary ciliary dyskinesia. Also called: Ciliary dyskinesia. Identifiers: Orphanet 244, MedGen C0008780, MONDO:0016575, HP:0012265.

Submission:

Labcorp Genetics (formerly Invitae), Labcorp
Classification: Likely pathogenic for Primary ciliary dyskinesia. Last evaluated: 2021-11-11. Review status: criteria provided, single submitter. Criteria: Invitae Variant Classification Sherloc (09022015). Collection method: clinical testing. Allele origin: germline.
Comment: This sequence change affects an acceptor splice site in intron 28 of the DNAH5 gene. It is expected to disrupt RNA splicing. Variants that disrupt the donor or acceptor splice site typically lead to a loss of protein function (PMID: 16199547), and loss-of-function variants in DNAH5 are known to be pathogenic (PMID: 11788826, 16627867). This variant is not present in population databases (gnomAD no frequency). This variant has not been reported in the literature in individuals affected with DNAH5-related conditions. Algorithms developed to predict the effect of sequence changes on RNA splicing suggest that this variant may disrupt the consensus splice site. In summary, the currently available evidence indicates that the variant is pathogenic, but additional data are needed to prove that conclusively. Therefore, this variant has been classified as Likely Pathogenic.

Literature cited by the submitters: PubMed 16199547; PubMed 11788826; PubMed 16627867.

NM_001369.3(DNAH5):c.4597-1G>T

Genes: DNAH5 (dynein axonemal heavy chain 5; minus strand), DNAH5-AS1 (DNAH5 antisense RNA 1; plus strand). Cytogenetic location: 5p15.2.
Variant type: single nucleotide variant.
Coding change: c.4597-1G>T on transcript NM_001369.3 (MANE Select); the canonical splice acceptor site of the intron before coding-DNA position 4597, G replaced by T.
Molecular consequence: splice acceptor variant.
Genome position (GRCh38, 1-based): chr5:13,862,748, C>A on the plus strand (G>T on the coding strand, the complement: DNAH5 is on the minus strand). VCF-style: chr5-13862748-C-A. GRCh37 (hg19) VCF-style: chr5-13862857-C-A.
Identifiers: ClinVar variation 1496251 (VCV001496251.6), dbSNP rs2151905981, ClinGen allele CA359222765.